The following is an entry in ClinVar:

NM_001375808.2(LPIN2):c.2445T>C (p.Asp815=)

Gene: LPIN2 (lipin 2; minus strand). Cytogenetic location: 18p11.31.
Variant type: single nucleotide variant.
Coding change: c.2445T>C on transcript NM_001375808.2 (MANE Select); coding-DNA position 2445, T replaced by C.
Protein change: p.Asp815=; no amino-acid change (aspartic acid 815 retained).
Molecular consequence: synonymous variant.
Genome position (GRCh38, 1-based): chr18:2,920,879, A>G on the plus strand (T>C on the coding strand, the complement: LPIN2 is on the minus strand). VCF-style: chr18-2920879-A-G. GRCh37 (hg19) VCF-style: chr18-2920877-A-G.
Other names: p.Asp815=; c.2445T>C, p.Asp815= (NM_001375809.1, NM_014646.2).
Identifiers: ClinVar variation 626132 (VCV000626132.28), dbSNP rs140249737, ClinGen allele CA8872706.

ClinVar aggregate classification (germline): Conflicting classifications of pathogenicity. Review status: criteria provided, conflicting classifications (1 of 4 stars). 8 submissions from 8 submitters: Uncertain significance (2); Benign (1); Likely benign (4). 1 of the submissions does not count toward it. Last evaluated 2026-02-01.

Conditions:
Autoinflammatory syndrome. Identifiers: Orphanet 93665, MedGen C3890737, MONDO:0019751.
Majeed syndrome (MJDS). Also called: LPIN2-Related Majeed Syndrome; CHRONIC RECURRENT MULTIFOCAL OSTEOMYELITIS 1, WITH CONGENITAL DYSERYTHROPOIETIC ANEMIA, WITH OR WITHOUT NEUTROPHILIC DERMATOSIS. Identifiers: Orphanet 77297, MedGen C1864997, MONDO:0012316, OMIM 609628.
LPIN2-related disorder. Also called: LPIN2-related condition.

Allele frequency attached by ClinVar (database versions not stated): ExAC 0.00011; gnomAD exomes 0.00011 and 0.00041; gnomAD 0.00020 and 0.00021; TOPMed 0.00021; ESP Exome Variant Server 0.00054.
gnomAD v4.1: 607 of 1,607,242 alleles (0.038%); highest among the groups gnomAD compares: Non-Finnish European, 0.05%; no homozygotes.

Submissions (8):

Labcorp Genetics (formerly Invitae), Labcorp
Classification: Likely benign for Majeed syndrome. Last evaluated: 2026-02-01. Review status: criteria provided, single submitter. Criteria: Invitae Variant Classification Sherloc (09022015). Collection method: clinical testing. Allele origin: germline.

Mayo Clinic Laboratories, Mayo Clinic
Classification: Likely benign. Last evaluated: 2025-02-10. Review status: criteria provided, single submitter. Criteria: ACMG Guidelines, 2015. Collection method: clinical testing. Allele origin: germline. Observed: 2 variant alleles.
Comment: BP4, BP7

Blueprint Genetics
Classification: Likely benign. Last evaluated: 2023-08-11. Review status: criteria provided, single submitter. Criteria: ACMG Guidelines, 2015. Collection method: clinical testing. Allele origin: germline.

Center for Genomics, Ann and Robert H. Lurie Children's Hospital of Chicago
Classification: Uncertain significance for Majeed syndrome. Last evaluated: 2021-03-30. Review status: criteria provided, single submitter. Criteria: ACMG Guidelines, 2015. Collection method: clinical testing. Allele origin: germline.
Comment: LPIN2 NM_014646.2 exon 19 p.Asp815= (c.2445T>C): This variant has not been reported in the literature but is present in 21/126718 European alleles in the Genome Aggregation Database. Evolutionary conservation and computational predictive tools for this variant are limited or unavailable. Of note, this variant is a silent variant and does not change the amino acid, reducing the probability that this variant is disease causing. In summary, data on this variant is insufficient for disease classification. Therefore, the clinical significance of this variant is uncertain.

Genome Diagnostics Laboratory, The Hospital for Sick Children
Classification: Uncertain significance for Autoinflammatory syndrome. Last evaluated: 2021-01-06. Review status: criteria provided, single submitter. Criteria: ACMG Guidelines, 2015. Collection method: clinical testing. Allele origin: germline. Affected: yes.

ARUP Laboratories, Molecular Genetics and Genomics, ARUP Laboratories
Classification: Likely benign for Majeed syndrome. Last evaluated: 2018-12-02. Review status: criteria provided, single submitter. Criteria: ARUP Molecular Germline Variant Investigation Process. Collection method: clinical testing. Allele origin: germline.

GeneDx
Classification: Benign. Last evaluated: 2015-03-03. Review status: criteria provided, single submitter. Criteria: GeneDx Variant Classification Process June 2021. Collection method: clinical testing. Allele origin: germline. Affected: yes.

PreventionGenetics, part of Exact Sciences
Classification: Likely benign for LPIN2-related condition. Last evaluated: 2023-12-30. Review status: no assertion criteria provided. Collection method: clinical testing. Allele origin: germline. Not counted in ClinVar's aggregate classification.
Comment: This variant is classified as likely benign based on ACMG/AMP sequence variant interpretation guidelines (Richards et al. 2015 PMID: 25741868, with internal and published modifications).